The following is an entry in ClinVar:

NM_024422.6(DSC2):c.205C>T (p.Pro69Ser)

Gene: DSC2 (desmocollin 2; minus strand). Cytogenetic location: 18q12.1.
Variant type: single nucleotide variant.
Coding change: c.205C>T on transcript NM_024422.6 (MANE Select); coding-DNA position 205, C replaced by T.
Protein change: p.Pro69Ser; replaces proline 69 with serine.
Molecular consequence: missense variant.
Genome position (GRCh38, 1-based): chr18:31,092,250, G>A on the plus strand (C>T on the coding strand, the complement: DSC2 is on the minus strand). VCF-style: chr18-31092250-G-A. GRCh37 (hg19) VCF-style: chr18-28672213-G-A.
Other names: c.205C>T, p.Pro69Ser (NM_004949.5); c.205C>T (NM_024422.4); short protein forms P69S.
Identifiers: ClinVar variation 921388 (VCV000921388.7), dbSNP rs1987627721, ClinGen allele CA402114887.

ClinVar aggregate classification (germline): Uncertain significance. Review status: criteria provided, multiple submitters, no conflicts (2 of 4 stars). 4 submissions from 4 submitters: Uncertain significance (4). Last evaluated 2024-04-23.

Conditions:
Familial isolated arrhythmogenic right ventricular dysplasia. Identifiers: Orphanet 217656, MedGen C4274968, MONDO:0016342.
Arrhythmogenic right ventricular dysplasia 11. Also called: Arrhythmogenic Right Ventricular Dysplasia/Cardiomyopathy11; Arrhythmogenic right ventricular dysplasia 11 with mild palmoplantar keratoderma and woolly hair; ARRHYTHMOGENIC RIGHT VENTRICULAR DYSPLASIA, FAMILIAL, 11. Identifiers: MedGen C1864850, MONDO:0012506, OMIM 610476.
Cardiomyopathy (CMYO). Also called: Cardiomyopathies. Identifiers: Orphanet 167848, MedGen C0878544, MONDO:0004994, HP:0001638. Inheritance: Various modes of inheritance.

Allele frequency attached by ClinVar (database versions not stated): TOPMed below 0.00001; gnomAD exomes 0.00001.

Submissions (4):

Blueprint Genetics
Classification: Uncertain significance. Last evaluated: 2024-04-23. Review status: criteria provided, single submitter. Criteria: ACMG Guidelines, 2015. Collection method: clinical testing. Allele origin: germline.

Color Diagnostics, LLC DBA Color Health
Classification: Uncertain significance for Cardiomyopathy. Last evaluated: 2024-03-06. Review status: criteria provided, single submitter. Criteria: ACMG Guidelines, 2015. Collection method: clinical testing. Allele origin: germline.
Comment: This missense variant replaces proline with serine at codon 69 of the DSC2 protein. Computational prediction suggests that this variant may not impact protein structure and function (internally defined REVEL score threshold <= 0.5, PMID: 27666373). Splice site prediction tools suggest that this variant may not impact RNA splicing. To our knowledge, functional studies have not been performed for this variant. This variant has not been reported in individuals affected with cardiovascular disorders in the literature. This variant has not been identified in the general population by the Genome Aggregation Database (gnomAD). The available evidence is insufficient to determine the role of this variant in disease conclusively. Therefore, this variant is classified as a Variant of Uncertain Significance.

Victorian Clinical Genetics Services, Murdoch Childrens Research Institute
Classification: Uncertain significance for Arrhythmogenic right ventricular dysplasia 11. Last evaluated: 2023-12-21. Review status: criteria provided, single submitter. Criteria: ACMG Guidelines, 2015. Collection method: clinical testing. Allele origin: germline. Inheritance: Autosomal dominant inheritance. Affected: yes.
Comment: Based on the classification scheme VCGS_Germline_v1.3.4, this variant is classified as VUS-3B. Following criteria are met: 0102 - Loss of function is a known mechanism of disease in this gene and is associated with arrhythmogenic right ventricular dysplasia 11 with or without mild palmoplantar keratoderma and woolly hair (MIM#610476). (I) 0108 - This gene is associated with both recessive and dominant disease (OMIM). (I) 0200 - Variant is predicted to result in a missense amino acid change from proline to serine. (I) 0251 - This variant is heterozygous. (I) 0301 - Variant is absent from gnomAD (both v2 and v3). (SP) 0309 - An alternative amino acid change at the same position has been observed in gnomAD (v3) (1 heterozygote, 0 homozygotes). (I) 0502 - Missense variant with conflicting in silico predictions and uninformative conservation. (I) 0600 - Variant is located in the annotated cadherin prodomain like (DECIPHER). (I) 0705 - No comparable missense variants have previous evidence for pathogenicity. (I) 0809 - Previous evidence of pathogenicity for this variant is inconclusive. This variant has been classified as a VUS by a clinical laboratory in ClinVar. (I) 0905 - No published segregation evidence has been identified for this variant. (I) 1007 - No published functional evidence has been identified for this variant. (I) 1208 - Inheritance information for this variant is not currently available in this individual. (I) Legend: (SP) - Supporting pathogenic, (I) - Information, (SB) - Supporting benign

All of Us Research Program, National Institutes of Health
Classification: Uncertain significance for Familial isolated arrhythmogenic right ventricular dysplasia. Last evaluated: 2023-03-04. Review status: criteria provided, single submitter. Criteria: ACMG Guidelines, 2015. Collection method: clinical testing. Allele origin: germline. Inheritance: Autosomal dominant inheritance. Observed: 1 variant allele, 1 heterozygote.
Comment: This missense variant replaces proline with serine at codon 69 of the DSC2 protein. Computational prediction suggests that this variant may not impact protein structure and function (internally defined REVEL score threshold <= 0.5, PMID: 27666373). Splice site prediction tools suggest that this variant may not impact RNA splicing. To our knowledge, functional studies have not been performed for this variant. This variant has not been reported in individuals affected with cardiovascular disorders in the literature. This variant has not been identified in the general population by the Genome Aggregation Database (gnomAD). The available evidence is insufficient to determine the role of this variant in disease conclusively. Therefore, this variant is classified as a Variant of Uncertain Significance.

This study involves interpretation of variants in research participants for the purpose of population health screening. Participant phenotype was not available at the time of variant classification. Additional details can be found in publication PMID: 35346344, PMCID: PMC8962531